The following is an entry in ClinVar:

NM_004364.5(CEBPA):c.278C>T (p.Ala93Val)

Gene: CEBPA (CCAAT enhancer binding protein alpha; minus strand). Cytogenetic location: 19q13.11.
Variant type: single nucleotide variant.
Coding change: c.278C>T on transcript NM_004364.5 (MANE Select); coding-DNA position 278, C replaced by T.
Protein change: p.Ala93Val; replaces alanine 93 with valine.
Molecular consequence: missense variant. On other transcripts: 5 prime UTR variant (1).
Genome position (GRCh38, 1-based): chr19:33,302,137, G>A on the plus strand (C>T on the coding strand, the complement: CEBPA is on the minus strand). VCF-style: chr19-33302137-G-A. GRCh37 (hg19) VCF-style: chr19-33793043-G-A.
Other names: c.-80C>T (NM_001285829.2); c.383C>T, p.Ala128Val (NM_001287424.2); c.236C>T, p.Ala79Val (NM_001287435.2); short protein forms A79V, A93V, A128V.
Identifiers: ClinVar variation 2896780 (VCV002896780.4), dbSNP rs1967191835, ClinGen allele CA405275282.

ClinVar aggregate classification (germline): Uncertain significance. Review status: criteria provided, multiple submitters, no conflicts (2 of 4 stars). 2 submissions from 2 submitters: Uncertain significance (2). Last evaluated 2024-11-30.

Conditions:
Acute myeloid leukemia (AML). Also called: Acute myeloid leukemia, adult; AML adult; Acute non-lymphocytic leukemia; Acute granulocytic leukemia; Leukemia, acute myeloid, somatic; Leukemia, acute myelogenous, somatic. Identifiers: Orphanet 519, MedGen C0023467, MeSH D015470, MONDO:0018874, OMIM 601626, HP:0004808. Disease mechanism: Constitutively activated FLT3.
Inborn genetic diseases. Identifiers: MedGen C0950123, MeSH D030342.

Allele frequency attached by ClinVar (database versions not stated): TOPMed below 0.00001; gnomAD 0.00001.

Submissions (2):

Ambry Genetics
Classification: Uncertain significance for Inborn genetic diseases. Last evaluated: 2024-11-30. Review status: criteria provided, single submitter. Criteria: Ambry Variant Classification Scheme 2023. Collection method: clinical testing. Allele origin: germline.
Comment: The p.A93V variant (also known as c.278C>T), located in coding exon 1 of the CEBPA gene, results from a C to T substitution at nucleotide position 278. The alanine at codon 93 is replaced by valine, an amino acid with similar properties. This amino acid position is conserved. In addition, this alteration is predicted to be tolerated by in silico analysis. Based on the available evidence, the clinical significance of this variant remains unclear.

Labcorp Genetics (formerly Invitae), Labcorp
Classification: Uncertain significance for Acute myeloid leukemia. Last evaluated: 2023-08-04. Review status: criteria provided, single submitter. Criteria: Invitae Variant Classification Sherloc (09022015). Collection method: clinical testing. Allele origin: germline.
Comment: This sequence change replaces alanine, which is neutral and non-polar, with valine, which is neutral and non-polar, at codon 93 of the CEBPA protein (p.Ala93Val). This variant is not present in population databases (gnomAD no frequency). This variant has not been reported in the literature in individuals affected with CEBPA-related conditions. An algorithm developed to predict the effect of missense changes on protein structure and function (PolyPhen-2) suggests that this variant is likely to be disruptive. In summary, the available evidence is currently insufficient to determine the role of this variant in disease. Therefore, it has been classified as a Variant of Uncertain Significance.